The following is an entry in ClinVar:

ClinVar aggregate classification (germline): Likely pathogenic (1 of 4 stars; one submission).

Conditions:
Radio-Tartaglia syndrome. Identifiers: Orphanet 662234, MedGen C5543339, MONDO:0859143, OMIM 619312.

Submission:

Genetics Laboratory, UDIAT-Centre Diagnòstic, Hospital Universitari Parc Tauli
Classification: Likely pathogenic for Radio-Tartaglia syndrome. Last evaluated: 2023-02-13. Review status: criteria provided, single submitter. Criteria: ACMG Guidelines, 2015. Collection method: clinical testing. Allele origin: unknown. Inheritance: Autosomal dominant inheritance. Affected: yes.
Comment: PVS1_very strong;PM2_supporting

NM_015001.3(SPEN):c.4253del (p.Arg1418fs)

Gene: SPEN (spen family transcriptional repressor; plus strand). Cytogenetic location: 1p36.13.
Variant type: Deletion.
Coding change: c.4253del on transcript NM_015001.3 (MANE Select); coding-DNA position 4253, one base deleted (G; older notation c.4253delG).
Protein change: p.Arg1418fs; shifts the reading frame from arginine 1418.
Molecular consequence: frameshift variant.
Genome position (GRCh38, 1-based): chr1:15,930,493, G deleted. VCF-style (leftmost placement, unchanged base first): chr1-15930492-CG-C. GRCh37 (hg19) VCF-style: chr1-16256987-CG-C.
Other names: short protein forms R1418fs.
Identifiers: ClinVar variation 3897628 (VCV003897628.1).